The following is an entry in ClinVar:

NM_004006.3(DMD):c.3020C>T (p.Ser1007Leu)

Gene: DMD (dystrophin; minus strand). Cytogenetic location: Xp21.1.
Variant type: single nucleotide variant.
Coding change: c.3020C>T on transcript NM_004006.3 (MANE Select); coding-DNA position 3020, C replaced by T.
Protein change: p.Ser1007Leu; replaces serine 1007 with leucine.
Molecular consequence: missense variant.
Genome position (GRCh38, 1-based): chrX:32,468,640, G>A on the plus strand (C>T on the coding strand, the complement: DMD is on the minus strand). VCF-style: chrX-32468640-G-A. GRCh37 (hg19) VCF-style: chrX-32486757-G-A.
Other names: p.Ser1007Leu; c.2996C>T, p.Ser999Leu (NM_000109.4); c.3008C>T, p.Ser1003Leu (NM_004009.3); c.2651C>T, p.Ser884Leu (NM_004010.3); short protein forms S1007L, S884L, S1003L, S999L.
Identifiers: ClinVar variation 507206 (VCV000507206.24), dbSNP rs144732570, ClinGen allele CA10379373.

ClinVar aggregate classification (germline): Benign/Likely benign. Review status: criteria provided, multiple submitters, no conflicts (2 of 4 stars). 8 submissions from 8 submitters: Benign (4); Likely benign (3). 1 of the submissions does not count toward it. Last evaluated 2026-01-27.

Conditions:
Duchenne muscular dystrophy (DMD). Also called: MUSCULAR DYSTROPHY, PSEUDOHYPERTROPHIC PROGRESSIVE, DUCHENNE TYPE; Duchenne Muscular Dystrophy (DMD). Identifiers: Orphanet 98896, MedGen C0013264, MONDO:0010679, OMIM 310200.
Cardiovascular phenotype. Identifiers: MedGen CN230736.
Cardiomyopathy (CMYO). Also called: Cardiomyopathies. Identifiers: Orphanet 167848, MedGen C0878544, MONDO:0004994, HP:0001638. Inheritance: Various modes of inheritance.
Becker muscular dystrophy (BMD). Also called: MUSCULAR DYSTROPHY, PSEUDOHYPERTROPHIC PROGRESSIVE, BECKER TYPE; Becker Muscular Dystrophy (BMD). Identifiers: Orphanet 98895, MedGen C0917713, MONDO:0010311, OMIM 300376.
Dystrophin deficiency.

Allele frequency attached by ClinVar (database versions not stated): gnomAD exomes 0.00006 and 0.00014; gnomAD 0.00053 and 0.00054; TOPMed 0.00054; ESP Exome Variant Server 0.00085; 1000 Genomes Project 30x 0.00104; 1000 Genomes Project 0.00106.
gnomAD v4.1: 123 of 1,209,150 alleles (0.01%); highest among the groups gnomAD compares: African/African-American, 0.18%; no homozygotes.

Submissions (8):

Labcorp Genetics (formerly Invitae), Labcorp
Classification: Benign for Duchenne muscular dystrophy. Last evaluated: 2026-01-27. Review status: criteria provided, single submitter. Criteria: Invitae Variant Classification Sherloc (09022015). Collection method: clinical testing. Allele origin: germline.

Women's Health and Genetics/Laboratory Corporation of America, LabCorp
Classification: Likely benign. Last evaluated: 2025-11-01. Review status: criteria provided, single submitter. Criteria: LabCorp Variant Classification Summary - May 2015. Collection method: clinical testing. Allele origin: germline.

Mayo Clinic Laboratories, Mayo Clinic
Classification: Benign. Last evaluated: 2025-06-17. Review status: criteria provided, single submitter. Criteria: ACMG Guidelines, 2015. Collection method: clinical testing. Allele origin: germline. Observed: 3 variant alleles.
Comment: BS1, BS2, BP4_moderate

ARUP Laboratories, Molecular Genetics and Genomics, ARUP Laboratories
Classification: Likely benign. Last evaluated: 2023-03-09. Review status: criteria provided, single submitter. Criteria: ARUP Molecular Germline Variant Investigation Process 2024. Collection method: clinical testing. Allele origin: germline.

GeneDx
Classification: Benign. Last evaluated: 2020-02-27. Review status: criteria provided, single submitter. Criteria: GeneDx Variant Classification Process June 2021. Collection method: clinical testing. Allele origin: germline. Affected: yes.

Ambry Genetics
Classification: Benign for Cardiovascular phenotype. Last evaluated: 2017-11-15. Review status: criteria provided, single submitter. Criteria: Ambry Variant Classification Scheme 2023. Collection method: clinical testing. Allele origin: germline.

Eurofins Ntd Llc (ga)
Classification: Likely benign. Last evaluated: 2017-11-10. Review status: criteria provided, single submitter. Criteria: EGL Classification Definitions 2015. Collection method: clinical testing. Allele origin: germline. Observed: 1 variant allele, 1 hemizygote.

Natera, Inc.
Classification: Likely benign for Becker muscular dystrophy; Cardiomyopathy; Duchenne muscular dystrophy; Dystrophin deficiency. Last evaluated: 2020-04-11. Review status: no assertion criteria provided. Collection method: clinical testing. Allele origin: germline. Not counted in ClinVar's aggregate classification.